The following is an entry in ClinVar:

NM_020911.2(PLXNA4):c.1372-87032G>A

Gene: PLXNA4 (plexin A4; minus strand). Cytogenetic location: 7q32.3.
Variant type: single nucleotide variant.
Coding change: c.1372-87032G>A on transcript NM_020911.2 (MANE Select); 87032 bases into the intron before coding-DNA position 1372, G replaced by A.
Molecular consequence: intron variant. On other transcripts: synonymous variant (1).
Genome position (GRCh38, 1-based): chr7:132,385,254, C>T on the plus strand (G>A on the coding strand, the complement: PLXNA4 is on the minus strand). VCF-style: chr7-132385254-C-T. GRCh37 (hg19) VCF-style: chr7-132070013-C-T.
Other names: c.1413G>A, p.Thr471= (NM_001105543.2); c.1372-87032G>A (NM_001393897.1).
Identifiers: ClinVar variation 3029375 (VCV003029375.2), dbSNP rs369034925, ClinGen allele CA4490196.

ClinVar aggregate classification (germline): Likely benign (0 of 4 stars; one submission).

Conditions:
PLXNA4-related disorder. Also called: PLXNA4-related condition.

Allele frequency attached by ClinVar (database versions not stated): ExAC 0.00001; gnomAD 0.00004; TOPMed 0.00004; gnomAD exomes 0.00005; 1000 Genomes Project 30x 0.00016; 1000 Genomes Project 0.00020.
gnomAD v4.1: 73 of 1,613,954 alleles (0.0045%); highest among the groups gnomAD compares: East Asian, 0.02%; no homozygotes.

Submission:

PreventionGenetics, part of Exact Sciences
Classification: Likely benign for PLXNA4-related condition. Last evaluated: 2024-08-19. Review status: no assertion criteria provided. Collection method: clinical testing. Allele origin: germline.
Comment: This variant is classified as likely benign based on ACMG/AMP sequence variant interpretation guidelines (Richards et al. 2015 PMID: 25741868, with internal and published modifications).